The following is an entry in ClinVar:

ClinVar aggregate classification (germline): Uncertain significance (1 of 4 stars; one submission).

Conditions:
Dilated cardiomyopathy 1G (CMD1G). Identifiers: Orphanet 154, MedGen C1858763, MONDO:0011400, OMIM 604145.
TTN-related myopathy. Identifiers: MedGen CN294812, MONDO:0100175.

gnomAD v4.1: 1 of 1,612,996 alleles (0.000062%); no homozygotes.

Submission:

Clinical Genomics Laboratory, Stanford Medicine
Classification: Uncertain significance for Dilated cardiomyopathy 1G; TTN-related myopathy. Last evaluated: 2023-09-14. Review status: criteria provided, single submitter. Criteria: ACMG Guidelines, 2015. Collection method: clinical testing. Allele origin: germline. Affected: yes. Observed: 1 variant allele, 1 heterozygote.
Comment: The p.Tyr22155His variant in the TTN gene has not been previously reported in association with disease. This variant was absent from large population databases, including the Genome Aggregation Database. This variant occurs at an exon/intron junction and alters the last nucleotide of exon 315. Computational tools predict an impact to splicing; however, the accuracy of these computational tools is limited. This variant is located in the A-band of the titin protein. Loss-of-function variants in the A-band have an established association with dilated cardiomyopathy (PMID: 32160020). These data were assessed using the ACMG/AMP variant interpretation guidelines. In summary, the significance of the p.Tyr22155His variant is uncertain. Additional information is needed to resolve the significance of this variant. [ACMG evidence codes used: PM2; PP3]

Literature cited by the submitters: PubMed 32160020.

NM_001267550.2(TTN):c.66463T>C (p.Tyr22155His)

Genes: TTN-AS1 (TTN antisense RNA 1; plus strand), TTN (titin; minus strand). Cytogenetic location: 2q31.2.
Variant type: single nucleotide variant.
Coding change: c.66463T>C on transcript NM_001267550.2 (MANE Select); coding-DNA position 66463, T replaced by C.
Protein change: p.Tyr22155His; replaces tyrosine 22155 with histidine.
Molecular consequence: missense variant.
Genome position (GRCh38, 1-based): chr2:178,581,906, A>G on the plus strand (T>C on the coding strand, the complement: TTN is on the minus strand). VCF-style: chr2-178581906-A-G. GRCh37 (hg19) VCF-style: chr2-179446633-A-G.
Other names: c.58759T>C, p.Tyr19587His (NM_133378.4); c.39643T>C, p.Tyr13215His (NM_133432.3); c.39844T>C, p.Tyr13282His (NM_133437.4); c.61540T>C, p.Tyr20514His (NM_001256850.1); c.39268T>C, p.Tyr13090His (NM_003319.4); short protein forms Y13090H, Y13215H, Y13282H, Y19587H, Y20514H, Y22155H.
Identifiers: ClinVar variation 4819095 (VCV004819095.1).